The following is an entry in ClinVar:

ClinVar aggregate classification (germline): Uncertain significance (1 of 4 stars; one submission).

Submission:

Laboratory for Molecular Medicine, Mass General Brigham Personalized Medicine
Classification: Uncertain significance. Last evaluated: 2017-09-29. Review status: criteria provided, single submitter. Criteria: LMM Criteria. Collection method: clinical testing. Allele origin: germline. Observed: 1 variant allele.
Comment: The p.Pro328Ser variant in KARS has not been previously reported in individuals with hearing loss or in large population studies. Computational prediction tools and conservation analysis suggest that the p.Pro328Ser variant may impact the p rotein, though this information is not predictive enough to determine pathogenic ity. In summary, the clinical significance of the p.Pro328Ser variant is uncerta in. ACMG/AMP Criteria applied: PM2, PP3 (Richards 2015).

NM_005548.3(KARS1):c.898C>T (p.Pro300Ser)

Gene: KARS1 (lysyl-tRNA synthetase 1; minus strand). Cytogenetic location: 16q23.1.
Variant type: single nucleotide variant.
Coding change: c.898C>T on transcript NM_005548.3 (MANE Select); coding-DNA position 898, C replaced by T.
Protein change: p.Pro300Ser; replaces proline 300 with serine.
Molecular consequence: missense variant.
Genome position (GRCh38, 1-based): chr16:75,634,190, G>A on the plus strand (C>T on the coding strand, the complement: KARS1 is on the minus strand). VCF-style: chr16-75634190-G-A. GRCh37 (hg19) VCF-style: chr16-75668088-G-A.
Other names: c.982C>T, p.Pro328Ser (NM_001130089.2); c.430C>T, p.Pro144Ser (NM_001378148.1); short protein forms P328S, P300S, P144S.
Identifiers: ClinVar variation 517594 (VCV000517594.4), dbSNP rs1555513082, ClinGen allele CA396812383.